The following is an entry in ClinVar:

NM_079420.3(MYL1):c.479-25T>C

Gene: MYL1 (myosin light chain 1; minus strand). Cytogenetic location: 2q34.
Variant type: single nucleotide variant.
Coding change: c.479-25T>C on transcript NM_079420.3 (MANE Select); 25 bases into the intron before coding-DNA position 479, T replaced by C.
Molecular consequence: intron variant.
Genome position (GRCh38, 1-based): chr2:210,293,825, A>G on the plus strand (T>C on the coding strand, the complement: MYL1 is on the minus strand). VCF-style: chr2-210293825-A-G. GRCh37 (hg19) VCF-style: chr2-211158549-A-G.
Other names: c.347-25T>C (NM_079422.3).
Identifiers: ClinVar variation 4279087 (VCV004279087.1).

ClinVar aggregate classification (germline): Likely pathogenic (1 of 4 stars; one submission).

Conditions:
Congenital myopathy with reduced type 2 muscle fibers. Also called: MYOPATHY, CONGENITAL, WITH FAST-TWITCH (TYPE II) FIBER ATROPHY; CONGENITAL MYOPATHY 14. Identifiers: Orphanet 544602, MedGen C5193081, MONDO:0034109, OMIM 618414.

Submission:

Department of Clinical Genetics, Copenhagen University Hospital, Rigshospitalet
Classification: Likely pathogenic for Congenital myopathy with reduced type 2 muscle fibers. Last evaluated: 2026-01-13. Review status: criteria provided, single submitter. Criteria: ACMG Guidelines, 2015. Collection method: clinical testing. Allele origin: biparental. Inheritance: Autosomal recessive inheritance. Affected: yes. Observed: 1 variant allele.
Comment: PM2_Supporting, PVS1_Strong (RNA), PP4_Moderate.

Literature cited by the submitters: PubMed 41568526.